The following is an entry in ClinVar:

NM_001083614.2(EARS2):c.16A>G (p.Arg6Gly)

Gene: EARS2 (glutamyl-tRNA synthetase 2, mitochondrial; minus strand). Cytogenetic location: 16p12.2.
Variant type: single nucleotide variant.
Coding change: c.16A>G on transcript NM_001083614.2 (MANE Select); coding-DNA position 16, A replaced by G.
Protein change: p.Arg6Gly; replaces arginine 6 with glycine.
Molecular consequence: missense variant. On other transcripts: non-coding transcript variant (1).
Genome position (GRCh38, 1-based): chr16:23,557,328, T>C on the plus strand (A>G on the coding strand, the complement: EARS2 is on the minus strand). VCF-style: chr16-23557328-T-C. GRCh37 (hg19) VCF-style: chr16-23568649-T-C.
Other names: p.R6G:AGG>GGG; c.16A>G, p.Arg6Gly (NM_001308211.1); short protein forms R6G.
Identifiers: ClinVar variation 137190 (VCV000137190.60), dbSNP rs113722817, ClinGen allele CA290704.

ClinVar aggregate classification (germline): Benign/Likely benign. Review status: criteria provided, multiple submitters, no conflicts (2 of 4 stars). 9 submissions from 9 submitters: Benign (3); Likely benign (4). 2 of the submissions do not count toward it. Last evaluated 2026-07-01.

Conditions:
EARS2-related disorder. Also called: EARS2-related condition; EARS2-related disorders.
Leukoencephalopathy-thalamus and brainstem anomalies-high lactate syndrome. Also called: Combined oxidative phosphorylation deficiency 12; LEUKOENCEPHALOPATHY WITH THALAMUS AND BRAINSTEM INVOLVEMENT AND HIGH LACTATE. Identifiers: Orphanet 314051, MedGen C4706421, MONDO:0013971, OMIM 614924.

Allele frequency attached by ClinVar (database versions not stated): 1000 Genomes Project 30x 0.00406; ESP Exome Variant Server 0.00414; 1000 Genomes Project 0.00419; gnomAD 0.00484 and 0.00485; TOPMed 0.00533; gnomAD exomes 0.00627; ExAC 0.01246.
gnomAD v4.1: 11,000 of 1,549,354 alleles (0.71%); highest among the groups gnomAD compares: Middle Eastern, 1.1%; 61 homozygotes.

Submissions (9):

CeGaT Center for Human Genetics Tuebingen
Classification: Likely benign. Last evaluated: 2026-07-01. Review status: criteria provided, single submitter. Criteria: CeGaT Center For Human Genetics Tuebingen Variant Classification Criteria Version 2. Collection method: clinical testing. Allele origin: germline. Affected: yes. Observed: 34 variant alleles.
Comment: EARS2: BP4, BS2

Labcorp Genetics (formerly Invitae), Labcorp
Classification: Benign. Last evaluated: 2026-01-28. Review status: criteria provided, single submitter. Criteria: Invitae Variant Classification Sherloc (09022015). Collection method: clinical testing. Allele origin: germline.

Blueprint Genetics
Classification: Likely benign. Last evaluated: 2024-11-27. Review status: criteria provided, single submitter. Criteria: ACMG Guidelines, 2015. Collection method: clinical testing. Allele origin: germline.

Illumina Laboratory Services, Illumina
Classification: Benign for Leukoencephalopathy-thalamus and brainstem anomalies-high lactate syndrome. Last evaluated: 2017-04-27. Review status: criteria provided, single submitter. Criteria: ICSL Variant Classification Criteria 13 December 2019. Collection method: clinical testing. Allele origin: germline.
Comment: This variant was observed as part of a predisposition screen in an ostensibly healthy population. A literature search was performed for the gene, cDNA change, and amino acid change (where applicable). No publications were found based on this search. Allele frequency data from public databases was too high to be consistent with this variant causing disease. Therefore, this variant is classified as benign.

Center for Pediatric Genomic Medicine, Children's Mercy Hospital and Clinics
Classification: Likely benign. Last evaluated: 2016-09-15. Review status: criteria provided, single submitter. Criteria: ACMG Guidelines, 2015. Collection method: clinical testing. Allele origin: germline.
ClinVar note: Converted during submission from Likely Benign to Likely benign.

GeneDx
Classification: Benign. Last evaluated: 2014-05-06. Review status: criteria provided, single submitter. Criteria: GeneDx Variant Classification (06012015). Collection method: clinical testing. Allele origin: germline. Affected: yes.
Comment: This variant is considered likely benign or benign based on one or more of the following criteria: it is a conservative change, it occurs at a poorly conserved position in the protein, it is predicted to be benign by multiple in silico algorithms, and/or has population frequency not consistent with disease.

Breakthrough Genomics
Classification: Likely benign. Review status: criteria provided, single submitter. Criteria: ACMG Guidelines, 2015. Collection method: not provided. Allele origin: germline. Inheritance: Autosomal recessive inheritance. Affected: yes.

PreventionGenetics, part of Exact Sciences
Classification: Benign for EARS2-related condition. Last evaluated: 2020-05-05. Review status: no assertion criteria provided. Collection method: clinical testing. Allele origin: germline. Not counted in ClinVar's aggregate classification.
Comment: This variant is classified as benign based on ACMG/AMP sequence variant interpretation guidelines (Richards et al. 2015 PMID: 25741868, with internal and published modifications).

Mayo Clinic Laboratories, Mayo Clinic
Classification: Likely benign. Last evaluated: 2016-02-19. Review status: no assertion criteria provided. Collection method: clinical testing. Allele origin: unknown. Not counted in ClinVar's aggregate classification.